The following is an entry in ClinVar:

ClinVar aggregate classification (germline): Likely benign. Review status: criteria provided, multiple submitters, no conflicts (2 of 4 stars). 2 submissions from 2 submitters: Likely benign (2). Last evaluated 2026-01-26.

Conditions:
Deficiency of aromatic-L-amino-acid decarboxylase. Also called: DOPA DECARBOXYLASE DEFICIENCY; AADC DEFICIENCY; DDC DEFICIENCY; Aromatic L-Amino Acid Decarboxylase Deficiency; Aromatic amino acid decarboxylase deficiency. Identifiers: Orphanet 35708, MedGen C1291564, MONDO:0012084, OMIM 608643.
DDC-related disorder. Also called: DDC-related condition.

Allele frequency attached by ClinVar (database versions not stated): gnomAD exomes below 0.00001; gnomAD 0.00001; TOPMed 0.00005.

Submissions (2):

Labcorp Genetics (formerly Invitae), Labcorp
Classification: Likely benign for Deficiency of aromatic-L-amino-acid decarboxylase. Last evaluated: 2026-01-26. Review status: criteria provided, single submitter. Criteria: Invitae Variant Classification Sherloc (09022015). Collection method: clinical testing. Allele origin: germline.

PreventionGenetics, part of Exact Sciences
Classification: Likely benign for DDC-related condition. Last evaluated: 2024-12-16. Review status: criteria provided, single submitter. Criteria: ACMG Guidelines, 2015. Collection method: clinical testing. Allele origin: germline.
Comment: This variant is classified as likely benign based on ACMG/AMP sequence variant interpretation guidelines (Richards et al. 2015 PMID: 25741868, with internal and published modifications).

NM_001082971.2(DDC):c.144G>A (p.Gln48=)

Gene: DDC (dopa decarboxylase; minus strand). Cytogenetic location: 7p12.1.
Variant type: single nucleotide variant.
Coding change: c.144G>A on transcript NM_001082971.2 (MANE Select); coding-DNA position 144, G replaced by A.
Protein change: p.Gln48=; no amino-acid change (glutamine 48 retained).
Molecular consequence: synonymous variant.
Genome position (GRCh38, 1-based): chr7:50,543,942, C>T on the plus strand (G>A on the coding strand, the complement: DDC is on the minus strand). VCF-style: chr7-50543942-C-T. GRCh37 (hg19) VCF-style: chr7-50611640-C-T.
Other names: c.144G>A (NM_000790.3); c.144G>A, p.Gln48= (NM_000790.4, NM_001242886.2, NM_001242887.2 and 3 more transcripts).
Identifiers: ClinVar variation 1896415 (VCV001896415.6), dbSNP rs1186228839, ClinGen allele CA454943318.